The following is an entry in ClinVar:

NC_012920.1(MT-ND1):m.3622C>A

Gene: MT-ND1 (mitochondrially encoded NADH dehydrogenase 1; plus strand).
Variant type: single nucleotide variant.
Genome position: chrM-3622-C-A.
Identifiers: ClinVar variation 692378 (VCV000692378.1), dbSNP rs1603219048, ClinGen allele CA414773163.

ClinVar aggregate classification (germline): Uncertain significance (1 of 4 stars; one submission).

Conditions:
Leigh syndrome (NULS). Also called: Leigh's necrotizing encephalopathy; Leigh's disease; Leigh Syndrome (mtDNA deletion); Leigh Disease; Subacute necrotizing encephalopathy; Necrotizing encephalopathy infantile subacute of Leigh. Identifiers: Orphanet 506, MedGen C2931891, MONDO:0009723, OMIM 256000.

Submission:

Wong Mito Lab, Molecular and Human Genetics, Baylor College of Medicine
Classification: Uncertain significance for Leigh syndrome. Last evaluated: 2019-10-17. Review status: criteria provided, single submitter. Criteria: Modified ACMG Guidelines (Unpublished). Collection method: clinical testing. Allele origin: germline.
Comment: The NC_012920.1:m.3622C>A (YP_003024026.1:p.Leu106Met) variant in MTND1 gene is interpretated to be a Uncertain Significance variant based on the modified ACMG guidelines (unpublished). This variant meets the following evidence codes: PP6, PP7